The following is an entry in ClinVar:

ClinVar aggregate classification (germline): Uncertain significance. Review status: criteria provided, multiple submitters, no conflicts (2 of 4 stars). 2 submissions from 2 submitters: Uncertain significance (2). Last evaluated 2025-07-02.

Allele frequency attached by ClinVar (database versions not stated): gnomAD 0.00001.
gnomAD v4.1: 3 of 1,614,012 alleles (0.00019%); highest among the groups gnomAD compares: Non-Finnish European, 0.00017%; no homozygotes.

Submissions (2):

GeneDx
Classification: Uncertain significance. Last evaluated: 2025-07-02. Review status: criteria provided, single submitter. Criteria: GeneDx Variant Classification Process June 2021. Collection method: clinical testing. Allele origin: germline.
Comment: Not observed at significant frequency in large population cohorts (gnomAD); In silico analysis supports that this missense variant has a deleterious effect on protein structure/function; Has not been previously published as pathogenic or benign to our knowledge

CeGaT Center for Human Genetics Tuebingen
Classification: Uncertain significance. Last evaluated: 2019-07-01. Review status: criteria provided, single submitter. Criteria: CeGaT Center For Human Genetics Tuebingen Variant Classification Criteria Version 2. Collection method: clinical testing. Allele origin: germline. Affected: yes. Observed: 3 variant alleles.

NM_001378452.1(ITPR1):c.3215G>A (p.Arg1072His)

Gene: ITPR1 (inositol 1,4,5-trisphosphate receptor type 1; plus strand). Cytogenetic location: 3p26.1.
Variant type: single nucleotide variant.
Coding change: c.3215G>A on transcript NM_001378452.1 (MANE Select); coding-DNA position 3215, G replaced by A.
Protein change: p.Arg1072His; replaces arginine 1072 with histidine.
Molecular consequence: missense variant.
Genome position (GRCh38, 1-based): chr3:4,683,439, G>A. VCF-style: chr3-4683439-G-A. GRCh37 (hg19) VCF-style: chr3-4725123-G-A.
Other names: c.3188G>A, p.Arg1063His (NM_001099952.4); c.3170G>A, p.Arg1057His (NM_001168272.2); c.3143G>A, p.Arg1048His (NM_002222.7); short protein forms R1063H, R1072H, R1048H, R1057H.
Identifiers: ClinVar variation 871617 (VCV000871617.43), dbSNP rs2094336496, ClinGen allele CA351650609.